The following is an entry in ClinVar:

NM_001203.3(BMPR1B):c.1385G>T (p.Cys462Phe)

Gene: BMPR1B (bone morphogenetic protein receptor type 1B; plus strand). Cytogenetic location: 4q22.3.
Variant type: single nucleotide variant.
Coding change: c.1385G>T on transcript NM_001203.3 (MANE Select); coding-DNA position 1385, G replaced by T.
Protein change: p.Cys462Phe; replaces cysteine 462 with phenylalanine.
Molecular consequence: missense variant.
Genome position (GRCh38, 1-based): chr4:95,154,549, G>T. VCF-style: chr4-95154549-G-T. GRCh37 (hg19) VCF-style: chr4-96075700-G-T.
Other names: c.1385G>T, p.Cys462Phe (NM_001256792.2, NM_001256794.1); c.1475G>T, p.Cys492Phe (NM_001256793.2); short protein forms C462F, C492F.
Identifiers: ClinVar variation 1903369 (VCV001903369.5), dbSNP rs766596192, ClinGen allele CA3015249.
Genomic context (GRCh38, chr4:95,154,549, plus strand): 5'-CATTGTAACAGGTGCCAGCCTTGCAGATGATACATTTTTCTAACATTTCTCTTCCTCAGT[G>T]TCTAAGGCAGATGGGAAAACTCATGACAGAATGCTGGGCTCACAATCCTGCATCAAGGCT-3'
Protein context (NP_001194.1, residues 452-472): SFPNRWSSDE[Cys462Phe]LRQMGKLMTE

ClinVar aggregate classification (germline): Uncertain significance (1 of 4 stars; one submission).

Conditions:
Type A2 brachydactyly (BDA2). Also called: BRACHYMESOPHALANGY II; Brachymesophalangy type 2; MOHR-WRIEDT TYPE BRACHYDACTYLY. Identifiers: Orphanet 93396, MedGen C1832702, MONDO:0007216, OMIM 112600, HP:0009372.
Acromesomelic dysplasia 3 (AMD3). Also called: Acromesomelic dysplasia, Demirhan type; CHONDRODYSPLASIA, ACROMESOMELIC, WITH OR WITHOUT GENITAL ANOMALIES. Identifiers: MedGen C4225404, MONDO:0012274, OMIM 609441.

gnomAD v4.1: 9 of 1,614,094 alleles (0.00056%); highest among the groups gnomAD compares: South Asian, 0.0099%; no homozygotes.

Submission:

Labcorp Genetics (formerly Invitae), Labcorp
Classification: Uncertain significance for Type A2 brachydactyly; Acromesomelic dysplasia 3. Last evaluated: 2024-11-07. Review status: criteria provided, single submitter. Criteria: Invitae Variant Classification Sherloc (09022015). Collection method: clinical testing. Allele origin: germline.
Comment: This sequence change replaces cysteine, which is neutral and slightly polar, with phenylalanine, which is neutral and non-polar, at codon 462 of the BMPR1B protein (p.Cys462Phe). This variant is present in population databases (rs766596192, gnomAD 0.02%). This variant has not been reported in the literature in individuals affected with BMPR1B-related conditions. ClinVar contains an entry for this variant (Variation ID: 1903369). An algorithm developed to predict the effect of missense changes on protein structure and function (PolyPhen-2) suggests that this variant is likely to be disruptive. In summary, the available evidence is currently insufficient to determine the role of this variant in disease. Therefore, it has been classified as a Variant of Uncertain Significance.